The following is an entry in ClinVar:

ClinVar aggregate classification (germline): Uncertain significance. Review status: criteria provided, multiple submitters, no conflicts (2 of 4 stars). 2 submissions from 2 submitters: Uncertain significance (2). Last evaluated 2025-08-27.

Conditions:
Inborn genetic diseases. Identifiers: MedGen C0950123, MeSH D030342.
Developmental and epileptic encephalopathy, 21 (DEE21). Also called: Early infantile epileptic encephalopathy 21. Identifiers: Orphanet 442835, MedGen C4014430, MONDO:0014360, OMIM 615833.

Allele frequency attached by ClinVar (database versions not stated): TOPMed 0.00004; gnomAD exomes 0.00007 and 0.00004; gnomAD 0.00001 and 0.00002; ExAC 0.00002.
gnomAD v4.1: 110 of 1,613,916 alleles (0.0068%); highest among the groups gnomAD compares: Non-Finnish European, 0.0085%; no homozygotes.

Submissions (2):

Ambry Genetics
Classification: Uncertain significance for Inborn genetic diseases. Last evaluated: 2025-08-27. Review status: criteria provided, single submitter. Criteria: Ambry Variant Classification Scheme 2023. Collection method: clinical testing. Allele origin: germline.

Labcorp Genetics (formerly Invitae), Labcorp
Classification: Uncertain significance for Developmental and epileptic encephalopathy, 21. Last evaluated: 2024-10-22. Review status: criteria provided, single submitter. Criteria: Invitae Variant Classification Sherloc (09022015). Collection method: clinical testing. Allele origin: germline.
Comment: This sequence change replaces threonine, which is neutral and polar, with alanine, which is neutral and non-polar, at codon 111 of the NECAP1 protein (p.Thr111Ala). This variant is present in population databases (rs754771825, gnomAD 0.008%). This variant has not been reported in the literature in individuals affected with NECAP1-related conditions. ClinVar contains an entry for this variant (Variation ID: 1498918). An algorithm developed to predict the effect of missense changes on protein structure and function (PolyPhen-2) suggests that this variant¬†is likely to be tolerated. In summary, the available evidence is currently insufficient to determine the role of this variant in disease. Therefore, it has been classified as a Variant of Uncertain Significance.

NM_015509.4(NECAP1):c.331A>G (p.Thr111Ala)

Gene: NECAP1 (NECAP endocytosis associated 1; plus strand). Cytogenetic location: 12p13.31.
Variant type: single nucleotide variant.
Coding change: c.331A>G on transcript NM_015509.4 (MANE Select); coding-DNA position 331, A replaced by G.
Protein change: p.Thr111Ala; replaces threonine 111 with alanine.
Molecular consequence: missense variant.
Genome position (GRCh38, 1-based): chr12:8,091,798, A>G. VCF-style: chr12-8091798-A-G. GRCh37 (hg19) VCF-style: chr12-8244394-A-G.
Other names: c.331A>G (NM_015509.3); short protein forms T111A.
Identifiers: ClinVar variation 1498918 (VCV001498918.5), dbSNP rs754771825, ClinGen allele CA6432240.